The following is an entry in ClinVar:

ClinVar aggregate classification (germline): Likely benign. Review status: criteria provided, multiple submitters, no conflicts (2 of 4 stars). 4 submissions from 4 submitters: Likely benign (2). 2 of the submissions do not count toward it. Last evaluated 2025-07-30.

Conditions:
NR2E3-related disorder. Also called: NR2E3-related disorders; NR2E3-related condition. Identifiers: MedGen CN239387.
Retinitis pigmentosa 37 (RP37). Identifiers: Orphanet 791, MedGen C1970163, MONDO:0012625, OMIM 611131.
Enhanced S-cone syndrome (ESCS). Identifiers: Orphanet 53540, MedGen C1849394, MONDO:0100288, MONDO:0009989.

Allele frequency attached by ClinVar (database versions not stated): gnomAD 0.00003; gnomAD exomes 0.00006 and 0.00013; TOPMed 0.00006; ExAC 0.00043.
gnomAD v4.1: 95 of 1,552,854 alleles (0.0061%); highest among the groups gnomAD compares: South Asian, 0.031%; no homozygotes.

Submissions (4):

Labcorp Genetics (formerly Invitae), Labcorp
Classification: Likely benign. Last evaluated: 2025-07-30. Review status: criteria provided, single submitter. Criteria: Invitae Variant Classification Sherloc (09022015). Collection method: clinical testing. Allele origin: germline.

Blueprint Genetics
Classification: Likely benign. Last evaluated: 2024-10-07. Review status: criteria provided, single submitter. Criteria: ACMG Guidelines, 2015. Collection method: clinical testing. Allele origin: germline.

PreventionGenetics, part of Exact Sciences
Classification: Likely benign for NR2E3-related condition. Last evaluated: 2024-09-16. Review status: no assertion criteria provided. Collection method: clinical testing. Allele origin: germline. Not counted in ClinVar's aggregate classification.
Comment: This variant is classified as likely benign based on ACMG/AMP sequence variant interpretation guidelines (Richards et al. 2015 PMID: 25741868, with internal and published modifications).

Counsyl
Classification: Likely benign for Retinitis pigmentosa 37; ENHANCED S-CONE SYNDROME 1. Last evaluated: 2017-07-12. Review status: no assertion criteria provided. Collection method: clinical testing. Allele origin: unknown. Not counted in ClinVar's aggregate classification.

NM_014249.4(NR2E3):c.450G>A (p.Pro150=)

Gene: NR2E3 (nuclear receptor subfamily 2 group E member 3; plus strand). Cytogenetic location: 15q23.
Variant type: single nucleotide variant.
Coding change: c.450G>A on transcript NM_014249.4 (MANE Select); coding-DNA position 450, G replaced by A.
Protein change: p.Pro150=; no amino-acid change (proline 150 retained).
Molecular consequence: synonymous variant.
Genome position (GRCh38, 1-based): chr15:71,812,055, G>A. VCF-style: chr15-71812055-G-A. GRCh37 (hg19) VCF-style: chr15-72104395-G-A.
Other names: c.450G>A, p.Pro150= (NM_016346.4).
Identifiers: ClinVar variation 552858 (VCV000552858.12), dbSNP rs746581775, ClinGen allele CA7640314.